The following is an entry in ClinVar:

NM_005996.4(TBX3):c.664T>C (p.Leu222=)

Gene: TBX3 (T-box transcription factor 3; minus strand). Cytogenetic location: 12q24.21.
Variant type: single nucleotide variant.
Coding change: c.664T>C on transcript NM_005996.4 (MANE Select); coding-DNA position 664, T replaced by C.
Protein change: p.Leu222=; no amino-acid change (leucine 222 retained).
Molecular consequence: synonymous variant.
Genome position (GRCh38, 1-based): chr12:114,679,645, A>G on the plus strand (T>C on the coding strand, the complement: TBX3 is on the minus strand). VCF-style: chr12-114679645-A-G. GRCh37 (hg19) VCF-style: chr12-115117450-A-G.
Other names: c.724T>C, p.Leu242= (NM_016569.4).
Identifiers: ClinVar variation 3351255 (VCV003351255.1).

ClinVar aggregate classification (germline): Likely benign (0 of 4 stars; one submission).

Conditions:
TBX3-related disorder. Also called: TBX3-related condition.

Submission:

PreventionGenetics, part of Exact Sciences
Classification: Likely benign for TBX3-related condition. Last evaluated: 2024-02-15. Review status: no assertion criteria provided. Collection method: clinical testing. Allele origin: germline.
Comment: This variant is classified as likely benign based on ACMG/AMP sequence variant interpretation guidelines (Richards et al. 2015 PMID: 25741868, with internal and published modifications).